The following is an entry in ClinVar:

ClinVar aggregate classification (germline): Pathogenic (1 of 4 stars; one submission).

Submission:

GeneDx
Classification: Pathogenic. Last evaluated: 2014-04-27. Review status: criteria provided, single submitter. Criteria: GeneDx Variant Classification (06012015). Collection method: clinical testing. Allele origin: germline. Affected: yes.
Comment: p.Cys416Stop (TGT>TGA): c.1248 T>A in exon 5 of the PKP2 gene (NM_004572.3). The C416X mutation in the PKP2 gene has not been reported as a disease-causing mutation or as a benign polymorphism to our knowledge. C416X is predicted to cause loss of normal protein function either by protein truncation or nonsense-mediated mRNA decay. Other nonsense mutations in the PKP2 gene have been reported in association with ARVC. Furthermore, C416X was not observed in approximately 6,500 individuals of European and African American ancestry in the NHLBI Exome Sequencing Project, indicating it is not a common benign variant in these populations. In summary, C416X in the PKP2 gene is interpreted as a disease-causing mutation. The variant is found in ARVC panel(s).

NM_001005242.3(PKP2):c.1248T>A (p.Cys416Ter)

Gene: PKP2 (plakophilin 2; minus strand). Cytogenetic location: 12p11.21.
Variant type: single nucleotide variant.
Coding change: c.1248T>A on transcript NM_001005242.3 (MANE Select); coding-DNA position 1248, T replaced by A.
Protein change: p.Cys416Ter; replaces cysteine 416 with a stop codon.
Molecular consequence: nonsense.
Genome position (GRCh38, 1-based): chr12:32,850,896, A>T on the plus strand (T>A on the coding strand, the complement: PKP2 is on the minus strand). VCF-style: chr12-32850896-A-T. GRCh37 (hg19) VCF-style: chr12-33003830-A-T.
Other names: p.C416*:TGT>TGA; c.1248T>A, p.Cys416Ter (NM_004572.4); short protein forms C416*.
Identifiers: ClinVar variation 201980 (VCV000201980.2), dbSNP rs794729104, ClinGen allele CA010926.